The following is an entry in ClinVar:

NM_058216.3(RAD51C):c.971C>A (p.Ala324Glu)

Gene: RAD51C (RAD51 paralog C; plus strand). Cytogenetic location: 17q22.
Variant type: single nucleotide variant.
Coding change: c.971C>A on transcript NM_058216.3 (MANE Select); coding-DNA position 971, C replaced by A.
Protein change: p.Ala324Glu; replaces alanine 324 with glutamic acid.
Molecular consequence: missense variant. On other transcripts: non-coding transcript variant (1).
Genome position (GRCh38, 1-based): chr17:58,732,489, C>A. VCF-style: chr17-58732489-C-A. GRCh37 (hg19) VCF-style: chr17-56809850-C-A.
Other names: short protein forms A324E.
Identifiers: ClinVar variation 4149892 (VCV004149892.1).
Genomic context (GRCh38, chr17:58,732,489, plus strand): 5'-TTTTAATTAATTAAGTTCATGTGTTTGTATGTATTTATTCTTTTTCTTTAAGCAGGTTGG[C>A]AACATTGTACAAGTCACCCAGCCAGAAGGAATGCACAGTACTGTTTCAAATCAAAGTCAG-3'
Protein context (NP_478123.1, residues 314-334): IFHWDRKQRL[Ala324Glu]TLYKSPSQKE

ClinVar aggregate classification (germline): Uncertain significance (1 of 4 stars; one submission).

Conditions:
Hereditary cancer-predisposing syndrome. Also called: Hereditary neoplastic syndrome; Neoplastic Syndromes, Hereditary; Tumor predisposition; Hereditary Cancer Syndrome. Identifiers: Orphanet 140162, MedGen C0027672, MeSH D009386, MONDO:0015356.

Submission:

Ambry Genetics
Classification: Uncertain significance for Hereditary cancer-predisposing syndrome. Last evaluated: 2025-07-28. Review status: criteria provided, single submitter. Criteria: Ambry Variant Classification Scheme 2023. Collection method: clinical testing. Allele origin: germline.
Comment: The p.A324E variant (also known as c.971C>A), located in coding exon 8 of the RAD51C gene, results from a C to A substitution at nucleotide position 971. The alanine at codon 324 is replaced by glutamic acid, an amino acid with dissimilar properties. This amino acid position is conserved. In addition, this alteration is predicted to be deleterious by in silico analysis. Based on the available evidence, the clinical significance of this variant remains unclear.